The following is an entry in ClinVar:

NM_000180.4(GUCY2D):c.1901G>C (p.Arg634Thr)

Gene: GUCY2D (guanylate cyclase 2D, retinal; plus strand). Cytogenetic location: 17p13.1.
Variant type: single nucleotide variant.
Coding change: c.1901G>C on transcript NM_000180.4 (MANE Select); coding-DNA position 1901, G replaced by C.
Protein change: p.Arg634Thr; replaces arginine 634 with threonine.
Molecular consequence: missense variant.
Genome position (GRCh38, 1-based): chr17:8,012,295, G>C. VCF-style: chr17-8012295-G-C. GRCh37 (hg19) VCF-style: chr17-7915613-G-C.
Other names: c.1901G>C (NM_000180.3); short protein forms R634T.
Identifiers: ClinVar variation 999359 (VCV000999359.9), dbSNP rs759957436, ClinGen allele CA8365933.

ClinVar aggregate classification (germline): Uncertain significance. Review status: criteria provided, multiple submitters, no conflicts (2 of 4 stars). 4 submissions from 4 submitters: Uncertain significance (4). Last evaluated 2025-09-22.

Conditions:
GUCY2D-related disorder. Also called: GUCY2D-related condition.
Cone-rod dystrophy 6 (CORD6). Also called: RETINAL CONE DYSTROPHY 2; Cone dystrophy progressive. Identifiers: Orphanet 1872, MedGen C1866293, MONDO:0011143, OMIM 601777.
Leber congenital amaurosis 1 (LCA1). Also called: RETINAL BLINDNESS, CONGENITAL; AMAUROSIS CONGENITA OF LEBER I; Congenital absence of the rods and cones; Leber's congenital tapetoretinal degeneration; Leber's congenital tapetoretinal dysplasia. Identifiers: Orphanet 65, MedGen C2931258, MONDO:0008764, OMIM 204000.
Inborn genetic diseases. Identifiers: MedGen C0950123, MeSH D030342.

Allele frequency attached by ClinVar (database versions not stated): gnomAD exomes below 0.00001 and 0.00001; ExAC 0.00001; gnomAD 0.00002; TOPMed 0.00002.

Submissions (4):

Ambry Genetics
Classification: Uncertain significance for Inborn genetic diseases. Last evaluated: 2025-09-22. Review status: criteria provided, single submitter. Criteria: Ambry Variant Classification Scheme 2023. Collection method: clinical testing. Allele origin: germline.

Labcorp Genetics (formerly Invitae), Labcorp
Classification: Uncertain significance for Leber congenital amaurosis 1; Cone-rod dystrophy 6. Last evaluated: 2025-07-27. Review status: criteria provided, single submitter. Criteria: Invitae Variant Classification Sherloc (09022015). Collection method: clinical testing. Allele origin: germline.
Comment: This sequence change replaces arginine, which is basic and polar, with threonine, which is neutral and polar, at codon 634 of the GUCY2D protein (p.Arg634Thr). This variant is present in population databases (rs759957436, gnomAD 0.006%). This variant has not been reported in the literature in individuals affected with GUCY2D-related conditions. ClinVar contains an entry for this variant (Variation ID: 999359). Invitae Evidence Modeling of protein sequence and biophysical properties (such as structural, functional, and spatial information, amino acid conservation, physicochemical variation, residue mobility, and thermodynamic stability) indicates that this missense variant is not expected to disrupt GUCY2D protein function with a negative predictive value of 80%. In summary, the available evidence is currently insufficient to determine the role of this variant in disease. Therefore, it has been classified as a Variant of Uncertain Significance.

PreventionGenetics, part of Exact Sciences
Classification: Uncertain significance for GUCY2D-related condition. Last evaluated: 2025-05-12. Review status: criteria provided, single submitter. Criteria: ACMG Guidelines, 2015. Collection method: clinical testing. Allele origin: germline.
Comment: The GUCY2D c.1901G>C variant is predicted to result in the amino acid substitution p.Arg634Thr. To our knowledge, this variant has not been reported in the literature. This variant is reported in 0.0087% of alleles in individuals of Latino descent in gnomAD. At this time, the clinical significance of this variant is uncertain due to the absence of conclusive functional and genetic evidence.

Blueprint Genetics
Classification: Uncertain significance. Last evaluated: 2022-01-13. Review status: criteria provided, single submitter. Criteria: ACMG Guidelines, 2015. Collection method: clinical testing. Allele origin: germline.